The following is an entry in ClinVar:

NM_002474.3(MYH11):c.28G>C (p.Asp10His)

Gene: MYH11 (myosin heavy chain 11; minus strand). Cytogenetic location: 16p13.11.
Variant type: single nucleotide variant.
Coding change: c.28G>C on transcript NM_002474.3 (MANE Select); coding-DNA position 28, G replaced by C.
Protein change: p.Asp10His; replaces aspartic acid 10 with histidine.
Molecular consequence: missense variant.
Genome position (GRCh38, 1-based): chr16:15,838,225, C>G on the plus strand (G>C on the coding strand, the complement: MYH11 is on the minus strand). VCF-style: chr16-15838225-C-G. GRCh37 (hg19) VCF-style: chr16-15932082-C-G.
Other names: c.28G>C, p.Asp10His (NM_001040113.2, NM_001040114.2, NM_022844.3); short protein forms D10H.
Identifiers: ClinVar variation 4694816 (VCV004694816.1).
Genomic context (GRCh38, chr16:15,838,225, plus strand): 5'-AGTCAGCCTGGGCCACTGGGCTGTTGATGAAGTTTTTGTCCACAAAGAGGAACTTCTCAT[C>G]GTCACTGAGTTGGCCCTTCTGCGCCATGGTGCCTTGTTGGTCCCCTGTGGAATAAGGTAA-3'
Protein context (NP_002465.1, residues 1-20): MAQKGQLSD[Asp10His]EKFLFVDKNF

ClinVar aggregate classification (germline): Uncertain significance (1 of 4 stars; one submission).

Conditions:
Aortic aneurysm, familial thoracic 4 (AAT4). Also called: AORTIC ANEURYSM/AORTIC DISSECTION AND PATENT DUCTUS ARTERIOSUS. Identifiers: MedGen C1851504, MONDO:0007568, OMIM 132900.

gnomAD v4.1: 1 of 1,613,992 alleles (0.000062%); no homozygotes.

Submission:

Labcorp Genetics (formerly Invitae), Labcorp
Classification: Uncertain significance for Aortic aneurysm, familial thoracic 4. Last evaluated: 2025-09-01. Review status: criteria provided, single submitter. Criteria: Invitae Variant Classification Sherloc (09022015). Collection method: clinical testing. Allele origin: germline.
Comment: This sequence change replaces aspartic acid, which is acidic and polar, with histidine, which is basic and polar, at codon 10 of the MYH11 protein (p.Asp10His). This variant is not present in population databases (gnomAD no frequency). This missense change has been observed in individual(s) with clinical features of thoracic aortic aneurysm and dissection (internal data). Invitae Evidence Modeling of protein sequence and biophysical properties (such as structural, functional, and spatial information, amino acid conservation, physicochemical variation, residue mobility, and thermodynamic stability) indicates that this missense variant is not expected to disrupt MYH11 protein function with a negative predictive value of 95%. In summary, the available evidence is currently insufficient to determine the role of this variant in disease. Therefore, it has been classified as a Variant of Uncertain Significance.